The following is an entry in ClinVar:

ClinVar aggregate classification (germline): Uncertain significance (1 of 4 stars; one submission).

Conditions:
Hereditary cancer-predisposing syndrome. Also called: Neoplastic Syndromes, Hereditary; Tumor predisposition; Hereditary neoplastic syndrome; Hereditary Cancer Syndrome. Identifiers: Orphanet 140162, MedGen C0027672, MeSH D009386, MONDO:0015356.

Submission:

Ambry Genetics
Classification: Uncertain significance for Hereditary cancer-predisposing syndrome. Last evaluated: 2026-07-07. Review status: criteria provided, single submitter. Criteria: Ambry Variant Classification Scheme 2023. Collection method: clinical testing. Allele origin: germline.
Comment: The p.N994K variant (also known as c.2982C>A), located in coding exon 19 of the BRIP1 gene, results from a C to A substitution at nucleotide position 2982. The asparagine at codon 994 is replaced by lysine, an amino acid with similar properties. This amino acid position is conserved. In addition, this alteration is predicted to be tolerated by in silico analysis. Based on the available evidence, the clinical significance of this variant remains unclear.

NM_032043.3(BRIP1):c.2982C>A (p.Asn994Lys)

Gene: BRIP1 (BRCA1 interacting DNA helicase 1; minus strand). Cytogenetic location: 17q23.2.
Variant type: single nucleotide variant.
Coding change: c.2982C>A on transcript NM_032043.3 (MANE Select); coding-DNA position 2982, C replaced by A.
Protein change: p.Asn994Lys; replaces asparagine 994 with lysine.
Molecular consequence: missense variant.
Genome position (GRCh38, 1-based): chr17:61,684,064, G>T on the plus strand (C>A on the coding strand, the complement: BRIP1 is on the minus strand). VCF-style: chr17-61684064-G-T. GRCh37 (hg19) VCF-style: chr17-59761425-G-T.
Other names: short protein forms N994K.
Identifiers: ClinVar variation 5033415 (VCV005033415.1).